The following is an entry in ClinVar:

NM_000053.4(ATP7B):c.1544-12T>C

Gene: ATP7B (ATPase copper transporting beta; minus strand). Cytogenetic location: 13q14.3.
Variant type: single nucleotide variant.
Coding change: c.1544-12T>C on transcript NM_000053.4 (MANE Select); 12 bases into the intron before coding-DNA position 1544, T replaced by C.
Molecular consequence: intron variant.
Genome position (GRCh38, 1-based): chr13:51,968,619, A>G on the plus strand (T>C on the coding strand, the complement: ATP7B is on the minus strand). VCF-style: chr13-51968619-A-G. GRCh37 (hg19) VCF-style: chr13-52542755-A-G.
Other names: c.1211-12T>C (NM_001243182.2); c.1544-12T>C (NM_001005918.3, NM_001330579.2, NM_001330578.2).
Identifiers: ClinVar variation 881866 (VCV000881866.20), dbSNP rs201167060, ClinGen allele CA6989305.
Genomic context (GRCh38, chr13:51,968,619, plus strand): 5'-TTGATCTCTGCCTTTCCTGCCATCAAGGCAACCAACACGGAGAGAACACCTGGAACCATC[A>G]GGTCATGGCTGTAACACTCTGGGTGGGCAGGGCCTCTAGGTTGACACAGTCAATATAACC-3'

ClinVar aggregate classification (germline): Conflicting classifications of pathogenicity. Review status: criteria provided, conflicting classifications (1 of 4 stars). 7 submissions from 7 submitters: Uncertain significance (4); Likely benign (3). Last evaluated 2026-01-26.

Conditions:
Inborn genetic diseases. Identifiers: MedGen C0950123, MeSH D030342.
Wilson disease (WND). Also called: Wilson's disease. Identifiers: Orphanet 905, MedGen C0019202, MONDO:0010200, OMIM 277900. Disease mechanism: loss of function.

Allele frequency attached by ClinVar (database versions not stated): gnomAD exomes 0.00009 and 0.00012; gnomAD 0.00011 and 0.00013; ExAC 0.00012; ESP Exome Variant Server 0.00016; TOPMed 0.00016.

Submissions (7):

Labcorp Genetics (formerly Invitae), Labcorp
Classification: Likely benign for Wilson disease. Last evaluated: 2026-01-26. Review status: criteria provided, single submitter. Criteria: Invitae Variant Classification Sherloc (09022015). Collection method: clinical testing. Allele origin: germline.

Blueprint Genetics
Classification: Likely benign. Last evaluated: 2024-10-08. Review status: criteria provided, single submitter. Criteria: ACMG Guidelines, 2015. Collection method: clinical testing. Allele origin: germline.

Color Diagnostics, LLC DBA Color Health
Classification: Likely benign for Wilson disease. Last evaluated: 2022-09-23. Review status: criteria provided, single submitter. Criteria: ACMG Guidelines, 2015. Collection method: clinical testing. Allele origin: germline.

Genome-Nilou Lab
Classification: Uncertain significance for Wilson disease. Last evaluated: 2021-09-05. Review status: criteria provided, single submitter. Criteria: ACMG Guidelines, 2015. Collection method: clinical testing. Allele origin: germline. Affected: no.

GeneDx
Classification: Uncertain significance. Last evaluated: 2020-07-02. Review status: criteria provided, single submitter. Criteria: GeneDx Variant Classification Process June 2021. Collection method: clinical testing. Allele origin: germline. Affected: yes.
Comment: Has not been previously published as pathogenic or benign to our knowledge; In-silico analysis, which includes splice predictors and evolutionary conservation, is inconclusive as to whether the variant alters gene splicing. In the absence of RNA/functional studies, the actual effect of this sequence change is unknown.

Illumina Laboratory Services, Illumina
Classification: Uncertain significance for Wilson disease. Last evaluated: 2018-01-12. Review status: criteria provided, single submitter. Criteria: ICSL Variant Classification Criteria 13 December 2019. Collection method: clinical testing. Allele origin: germline.

Ambry Genetics
Classification: Uncertain significance for Inborn genetic diseases. Last evaluated: 2014-10-20. Review status: criteria provided, single submitter. Criteria: Ambry Variant Classification Scheme 2023. Collection method: clinical testing. Allele origin: germline.
Comment: The c.1544-12T>C intronic variant results from a T to C substitution 12 nucleotides upstream from coding exon 4 in the ATP7B gene. This variant was previously reported in the SNPDatabase as rs201167060. Based on data from the NHLBI Exome Sequencing Project (ESP), the C allele has an overall frequency of approximately 0.02% (2/12316) total alleles studied and 0.02% (2/8310) European American alleles and in none of 4,006 African American alleles. This allele was not observed in the homozygous state in 6158 individuals. This nucleotide position is not conserved in and the C allele is present in ~25% of available vertebrate species. Using the BDGP and ESEfinder splice site prediction tools, this alteration is not predicted to have any significant effect on this acceptor splice site; however, direct evidence is unavailable. Based on limited available evidence to date, the clinical significance of this variant remains unclear.